The following is an entry in ClinVar:

NM_022726.4(ELOVL4):c.835G>A (p.Gly279Arg)

Gene: ELOVL4 (ELOVL fatty acid elongase 4; minus strand). Cytogenetic location: 6q14.1.
Variant type: single nucleotide variant.
Coding change: c.835G>A on transcript NM_022726.4 (MANE Select); coding-DNA position 835, G replaced by A.
Protein change: p.Gly279Arg; replaces glycine 279 with arginine.
Molecular consequence: missense variant.
Genome position (GRCh38, 1-based): chr6:79,916,718, C>T on the plus strand (G>A on the coding strand, the complement: ELOVL4 is on the minus strand). VCF-style: chr6-79916718-C-T. GRCh37 (hg19) VCF-style: chr6-80626435-C-T.
Other names: c.835G>A (NM_022726.3); short protein forms G279R.
Identifiers: ClinVar variation 1498914 (VCV001498914.12), dbSNP rs774701843, ClinGen allele CA3901456.

ClinVar aggregate classification (germline): Uncertain significance. Review status: criteria provided, multiple submitters, no conflicts (2 of 4 stars). 4 submissions from 4 submitters: Uncertain significance (4). Last evaluated 2026-06-15.

Conditions:
ELOVL4-related disorder. Also called: ELOVL4-related condition; ELOVL4-related disorders.

Allele frequency attached by ClinVar (database versions not stated): gnomAD exomes 0.00002 and 0.00007; TOPMed 0.00002; ExAC 0.00003; gnomAD 0.00004.
gnomAD v4.1: 103 of 1,613,848 alleles (0.0064%); highest among the groups gnomAD compares: Non-Finnish European, 0.0085%; no homozygotes.

Submissions (4):

PreventionGenetics, part of Exact Sciences
Classification: Uncertain significance for ELOVL4-related condition. Last evaluated: 2026-06-15. Review status: criteria provided, single submitter. Criteria: ACMG Guidelines, 2015. Collection method: clinical testing. Allele origin: germline.
Comment: The ELOVL4 c.835G>A variant is predicted to result in the amino acid substitution p.Gly279Arg. To our knowledge, this variant has not been reported in the literature. This variant is reported in 0.0062% of alleles in individuals of European (Non-Finnish) descent in gnomAD. At this time, the clinical significance of this variant is uncertain due to the absence of conclusive functional and genetic evidence.

Genetic Services Laboratory, University of Chicago
Classification: Uncertain significance. Last evaluated: 2024-09-10. Review status: criteria provided, single submitter. Criteria: ACMG Guidelines, 2015. Collection method: clinical testing. Allele origin: germline. Affected: no.
Comment: DNA sequence analysis of the ELOVL4 gene demonstrated a sequence change, c.835G>A, in exon 6 that results in an amino acid change, p.Gly279Arg. This sequence change does not appear to have been previously described in individuals with ELOVL4-related disorders. This sequence change has been described in the gnomAD database with a frequency of 0.006% in the European subpopulation (dbSNP rs774701843). The p.Gly279Arg change affects a moderately conserved amino acid residue located in a domain of the ELOVL4 protein that is not known to be functional. The p.Gly279Arg substitution appears to be benign using several in-silico pathogenicity prediction tools (SIFT, PolyPhen2, Align GVGD, REVEL). Due to insufficient evidences and the lack of functional studies, the clinical significance of the p.Gly279Arg change remains unknown at this time.

Labcorp Genetics (formerly Invitae), Labcorp
Classification: Uncertain significance. Last evaluated: 2024-09-09. Review status: criteria provided, single submitter. Criteria: Invitae Variant Classification Sherloc (09022015). Collection method: clinical testing. Allele origin: germline.
Comment: This sequence change replaces glycine, which is neutral and non-polar, with arginine, which is basic and polar, at codon 279 of the ELOVL4 protein (p.Gly279Arg). This variant is present in population databases (rs774701843, gnomAD 0.006%). This variant has not been reported in the literature in individuals affected with ELOVL4-related conditions. ClinVar contains an entry for this variant (Variation ID: 1498914). Invitae Evidence Modeling of protein sequence and biophysical properties (such as structural, functional, and spatial information, amino acid conservation, physicochemical variation, residue mobility, and thermodynamic stability) indicates that this missense variant is not expected to disrupt ELOVL4 protein function with a negative predictive value of 80%. In summary, the available evidence is currently insufficient to determine the role of this variant in disease. Therefore, it has been classified as a Variant of Uncertain Significance.

Blueprint Genetics
Classification: Uncertain significance. Last evaluated: 2023-02-01. Review status: criteria provided, single submitter. Criteria: ACMG Guidelines, 2015. Collection method: clinical testing. Allele origin: germline.